The following is an entry in ClinVar:

ClinVar aggregate classification (germline): Uncertain significance (1 of 4 stars; one submission).

Submission:

Ambry Genetics
Classification: Uncertain significance. Last evaluated: 2023-09-19. Review status: criteria provided, single submitter. Criteria: Ambry Variant Classification Scheme 2023. Collection method: clinical testing. Allele origin: germline.
Comment: The p.P439S variant (also known as c.1315C>T), located in coding exon 7 of the GALNT12 gene, results from a C to T substitution at nucleotide position 1315. The proline at codon 439 is replaced by serine, an amino acid with similar properties. This amino acid position is conserved. In addition, this alteration is predicted to be deleterious by in silico analysis. Since supporting evidence is limited at this time, the clinical significance of this alteration remains unclear.

NM_024642.5(GALNT12):c.1315C>T (p.Pro439Ser)

Gene: GALNT12 (polypeptide N-acetylgalactosaminyltransferase 12; plus strand). Cytogenetic location: 9q22.33.
Variant type: single nucleotide variant.
Coding change: c.1315C>T on transcript NM_024642.5 (MANE Select); coding-DNA position 1315, C replaced by T.
Protein change: p.Pro439Ser; replaces proline 439 with serine.
Molecular consequence: missense variant.
Genome position (GRCh38, 1-based): chr9:98,840,104, C>T. VCF-style: chr9-98840104-C-T. GRCh37 (hg19) VCF-style: chr9-101602386-C-T.
Other names: short protein forms P439S.
Identifiers: ClinVar variation 3227913 (VCV003227913.1), dbSNP rs2118470259, ClinGen allele CA374221104.